The following is an entry in ClinVar:

NM_000738.3(CHRM1):c.1274T>C (p.Phe425Ser)

Genes: CHRM1 (cholinergic receptor muscarinic 1; minus strand), CHRM1-AS1 (CHRM1 antisense RNA 1; plus strand). Cytogenetic location: 11q12.3.
Variant type: single nucleotide variant.
Coding change: c.1274T>C on transcript NM_000738.3 (MANE Select); coding-DNA position 1274, T replaced by C.
Protein change: p.Phe425Ser; replaces phenylalanine 425 with serine.
Molecular consequence: missense variant.
Genome position (GRCh38, 1-based): chr11:62,909,827, A>G on the plus strand (T>C on the coding strand, the complement: CHRM1 is on the minus strand). VCF-style: chr11-62909827-A-G. GRCh37 (hg19) VCF-style: chr11-62677299-A-G.
Other names: short protein forms F425S.
Identifiers: ClinVar variation 1098339 (VCV001098339.5), dbSNP rs2135039016, ClinGen allele CA380948700.

ClinVar aggregate classification (germline): Likely pathogenic (1 of 4 stars; one submission).

Submission:

Genetics Laboratory, UDIAT-Centre Diagnòstic, Hospital Universitari Parc Tauli
Classification: Likely pathogenic. Last evaluated: 2021-04-26. Review status: criteria provided, single submitter. Criteria: Parc Tauli Hospital Assertion Criteria 2021. Collection method: clinical testing. Allele origin: de novo. Inheritance: Autosomal dominant inheritance. Affected: yes. Observed: 1 heterozygote.
Comment: PM2_supporting;PM6_moderate;PP2_supporting;PP3_supporting